The following is an entry in ClinVar:

ClinVar aggregate classification (germline): Uncertain significance. Review status: criteria provided, multiple submitters, no conflicts (2 of 4 stars). 4 submissions from 4 submitters: Uncertain significance (2). 2 of the submissions do not count toward it. Last evaluated 2025-12-08.

Conditions:
Cardiomyopathy (CMYO). Also called: Cardiomyopathies. Identifiers: Orphanet 167848, MedGen C0878544, MONDO:0004994, HP:0001638. Inheritance: Various modes of inheritance.

Submissions (4):

Color Diagnostics, LLC DBA Color Health
Classification: Uncertain significance for Cardiomyopathy. Last evaluated: 2025-12-08. Review status: criteria provided, single submitter. Criteria: ACMG Guidelines, 2015. Collection method: clinical testing. Allele origin: germline.
Comment: This missense variant replaces isoleucine with valine at codon 1790 of the MYH7 protein. Computational prediction suggests that this variant may not impact protein structure and function. To our knowledge, functional studies have not been reported for this variant. This variant has not been reported in individuals affected with MYH7-related disorders in the literature. This variant has not been identified in the general population by the Genome Aggregation Database (gnomAD). The available evidence is insufficient to determine the role of this variant in disease conclusively. Therefore, this variant is classified as a Variant of Uncertain Significance.

All of Us Research Program, National Institutes of Health
Classification: Uncertain significance for Cardiomyopathy. Last evaluated: 2023-12-01. Review status: criteria provided, single submitter. Criteria: ACMG Guidelines, 2015. Collection method: clinical testing. Allele origin: germline. Inheritance: Autosomal dominant inheritance. Observed: 2 variant alleles, 2 heterozygotes.
Comment: This missense variant replaces isoleucine with valine at codon 1790 of the MYH7 protein. Computational prediction suggests that this variant may not impact protein structure and function (internally defined REVEL score threshold <= 0.5, PMID: 27666373). To our knowledge, functional studies have not been reported for this variant. This variant has not been reported in individuals affected with MYH7-related disorders in the literature. This variant has not been identified in the general population by the Genome Aggregation Database (gnomAD). The available evidence is insufficient to determine the role of this variant in disease conclusively. Therefore, this variant is classified as a Variant of Uncertain Significance.

This study involves interpretation of variants in research participants for the purpose of population health screening. Participant phenotype was not available at the time of variant classification. Additional details can be found in publication PMID: 35346344, PMCID: PMC8962531

Clinical Genetics, Academic Medical Center
Classification: Uncertain significance. Review status: no assertion criteria provided. Collection method: clinical testing. Allele origin: germline. Affected: yes. Study: VKGL Data-share Consensus. Not counted in ClinVar's aggregate classification.

Genome Diagnostics Laboratory, University Medical Center Utrecht
Classification: Uncertain significance. Review status: no assertion criteria provided. Collection method: clinical testing. Allele origin: germline. Affected: yes. Study: VKGL Data-share Consensus. Not counted in ClinVar's aggregate classification.

NM_000257.4(MYH7):c.5368A>G (p.Ile1790Val)

Gene: MYH7 (myosin heavy chain 7; minus strand). Cytogenetic location: 14q11.2.
Variant type: single nucleotide variant.
Coding change: c.5368A>G on transcript NM_000257.4 (MANE Select); coding-DNA position 5368, A replaced by G.
Protein change: p.Ile1790Val; replaces isoleucine 1790 with valine.
Molecular consequence: missense variant.
Genome position (GRCh38, 1-based): chr14:23,415,186, T>C on the plus strand (A>G on the coding strand, the complement: MYH7 is on the minus strand). VCF-style: chr14-23415186-T-C. GRCh37 (hg19) VCF-style: chr14-23884395-T-C.
Other names: short protein forms I1790V.
Identifiers: ClinVar variation 1284423 (VCV001284423.6), dbSNP rs2138638553, ClinGen allele CA389035712.
Genomic context (GRCh38, chr14:23,415,186, plus strand): 5'-TCTTGCCGCCCTTGAGGGCGATCTGCTCGGCTTCGTCCAGCCGGTGCTGCAGGTCCTTAA[T>C]GGTCTGTTCCATGTTCTTCTTCATGCGCTCCAGGTGGGCGCTGGTGTCCTGCTCCTTCTT-3'
Protein context (NP_000248.2, residues 1780-1800): ERMKKNMEQT[Ile1790Val]KDLQHRLDEA